The following is an entry in ClinVar:

ClinVar aggregate classification (germline): Uncertain significance (1 of 4 stars; one submission).

Allele frequency attached by ClinVar (database versions not stated): gnomAD 0.00001; TOPMed 0.00001.
gnomAD v4.1: 3 of 1,613,932 alleles (0.00019%); highest among the groups gnomAD compares: Admixed American, 0.005%; no homozygotes.

Submission:

Labcorp Genetics (formerly Invitae), Labcorp
Classification: Uncertain significance. Last evaluated: 2022-09-13. Review status: criteria provided, single submitter. Criteria: Invitae Variant Classification Sherloc (09022015). Collection method: clinical testing. Allele origin: germline.
Comment: This sequence change replaces histidine, which is basic and polar, with arginine, which is basic and polar, at codon 81 of the UQCRC2 protein (p.His81Arg). This variant is present in population databases (no rsID available, gnomAD 0.006%). This variant has not been reported in the literature in individuals affected with UQCRC2-related conditions. Advanced modeling of protein sequence and biophysical properties (such as structural, functional, and spatial information, amino acid conservation, physicochemical variation, residue mobility, and thermodynamic stability) performed at Invitae indicates that this missense variant is expected to disrupt UQCRC2 protein function. In summary, the available evidence is currently insufficient to determine the role of this variant in disease. Therefore, it has been classified as a Variant of Uncertain Significance.

NM_003366.4(UQCRC2):c.242A>G (p.His81Arg)

Genes: PDZD9 (PDZ domain containing 9), UQCRC2 (ubiquinol-cytochrome c reductase core protein 2). Cytogenetic location: 16p12.2.
Variant type: single nucleotide variant.
Coding change: c.242A>G on transcript NM_003366.4 (MANE Select); coding-DNA position 242, A replaced by G.
Protein change: p.His81Arg; replaces histidine 81 with arginine.
Molecular consequence: missense variant.
Genome position (GRCh38, 1-based): chr16:21,957,541, A>G. VCF-style: chr16-21957541-A-G. GRCh37 (hg19) VCF-style: chr16-21968862-A-G.
Other names: short protein forms H81R.
Identifiers: ClinVar variation 1970687 (VCV001970687.5), dbSNP rs1472736410, ClinGen allele CA395248292.